The following is an entry in ClinVar:

ClinVar aggregate classification (germline): Pathogenic (1 of 4 stars; one submission).

Submission:

GeneDx
Classification: Pathogenic. Last evaluated: 2017-06-27. Review status: criteria provided, single submitter. Criteria: GeneDx Variant Classification (06012015). Collection method: clinical testing. Allele origin: germline. Affected: yes.
Comment: The E336X variant in the KANSL1 gene has not been reported previously as a pathogenic variant nor as a benign variant, to our knowledge. This variant is predicted to cause loss of normal protein function either through protein truncation or nonsense-mediated mRNA decay. The E336X variant is not observed in large population cohorts (Lek et al., 2016; 1000 Genomes Consortium et al., 2015; Exome Variant Server). We interpret E336X as a pathogenic variant.

NM_015443.4(KANSL1):c.1006G>T (p.Glu336Ter)

Gene: KANSL1 (KAT8 regulatory NSL complex subunit 1). Cytogenetic location: 17q21.31.
Variant type: single nucleotide variant.
Coding change: c.1006G>T on transcript NM_015443.4 (MANE Select); coding-DNA position 1006, G replaced by T.
Protein change: p.Glu336Ter; replaces glutamic acid 336 with a stop codon.
Molecular consequence: nonsense.
Genome position (GRCh38, 1-based): chr17:46,171,138, C>A on the plus strand (G>T on the coding strand, the complement: KANSL1 is on the minus strand). VCF-style: chr17-46171138-C-A. GRCh37 (hg19) VCF-style: chr17-44248504-C-A.
Other names: c.1006G>T, p.Glu336Ter (NM_001193465.2, NM_001193466.2, NM_001379198.1); short protein forms E336*.
Identifiers: ClinVar variation 450042 (VCV000450042.2), dbSNP rs1555575197, ClinGen allele CA399979698.